The following is an entry in ClinVar:

NM_198578.4(LRRK2):c.7504C>T (p.His2502Tyr)

Gene: LRRK2 (leucine rich repeat kinase 2; plus strand). Cytogenetic location: 12q12.
Variant type: single nucleotide variant.
Coding change: c.7504C>T on transcript NM_198578.4 (MANE Select); coding-DNA position 7504, C replaced by T.
Protein change: p.His2502Tyr; replaces histidine 2502 with tyrosine.
Molecular consequence: missense variant.
Genome position (GRCh38, 1-based): chr12:40,367,685, C>T. VCF-style: chr12-40367685-C-T. GRCh37 (hg19) VCF-style: chr12-40761487-C-T.
Other names: short protein forms H2502Y.
Identifiers: ClinVar variation 2447290 (VCV002447290.2), dbSNP rs199536554, ClinGen allele CA384416106.

ClinVar aggregate classification (germline): Uncertain significance (1 of 4 stars; one submission).

Conditions:
Inborn genetic diseases. Identifiers: MedGen C0950123, MeSH D030342.

Allele frequency attached by ClinVar (database versions not stated): gnomAD exomes below 0.00001.
gnomAD v4.1: 6 of 1,603,694 alleles (0.00037%); highest among the groups gnomAD compares: Non-Finnish European, 0.00051%; no homozygotes.

Submission:

Ambry Genetics
Classification: Uncertain significance for Inborn genetic diseases. Last evaluated: 2022-12-09. Review status: criteria provided, single submitter. Criteria: Ambry Variant Classification Scheme 2023. Collection method: clinical testing. Allele origin: germline.
Comment: The p.H2502Y variant (also known as c.7504C>T), located in coding exon 51 of the LRRK2 gene, results from a C to T substitution at nucleotide position 7504. The histidine at codon 2502 is replaced by tyrosine, an amino acid with similar properties. This amino acid position is conserved. In addition, the in silico prediction for this alteration is inconclusive. Since supporting evidence is limited at this time, the clinical significance of this alteration remains unclear.